The following is an entry in ClinVar:

ClinVar aggregate classification (germline): Conflicting classifications of pathogenicity. Review status: criteria provided, conflicting classifications (1 of 4 stars). 2 submissions from 2 submitters: Uncertain significance (1); Likely benign (1). Last evaluated 2023-03-08.

Conditions:
FG syndrome (FGS). Identifiers: MedGen C0220769, MONDO:0002010.

Allele frequency attached by ClinVar (database versions not stated): gnomAD exomes below 0.00001.
gnomAD v4.1: 3 of 1,167,832 alleles (0.00026%); highest among the groups gnomAD compares: African/African-American, 0.0035%; no homozygotes.

Submissions (2):

Labcorp Genetics (formerly Invitae), Labcorp
Classification: Uncertain significance for FG syndrome. Last evaluated: 2023-03-08. Review status: criteria provided, single submitter. Criteria: Invitae Variant Classification Sherloc (09022015). Collection method: clinical testing. Allele origin: germline.
Comment: In summary, the available evidence is currently insufficient to determine the role of this variant in disease. Therefore, it has been classified as a Variant of Uncertain Significance. Algorithms developed to predict the effect of sequence changes on RNA splicing suggest that this variant may disrupt the consensus splice site. ClinVar contains an entry for this variant (Variation ID: 385522). This variant has not been reported in the literature in individuals affected with MED12-related conditions. This variant is not present in population databases (gnomAD no frequency). This sequence change falls in intron 43 of the MED12 gene. It does not directly change the encoded amino acid sequence of the MED12 protein.

GeneDx
Classification: Likely benign. Last evaluated: 2016-04-15. Review status: criteria provided, single submitter. Criteria: GeneDx Variant Classification (06012015). Collection method: clinical testing. Allele origin: germline. Affected: yes.
Comment: This variant is considered likely benign or benign based on one or more of the following criteria: it is a conservative change, it occurs at a poorly conserved position in the protein, it is predicted to be benign by multiple in silico algorithms, and/or has population frequency not consistent with disease.

NM_005120.3(MED12):c.6408+16C>T

Gene: MED12 (mediator complex subunit 12; plus strand). Cytogenetic location: Xq13.1.
Variant type: single nucleotide variant.
Coding change: c.6408+16C>T on transcript NM_005120.3 (MANE Select); 16 bases into the intron after coding-DNA position 6408, C replaced by T.
Molecular consequence: intron variant.
Genome position (GRCh38, 1-based): chrX:71,141,386, C>T. VCF-style: chrX-71141386-C-T. GRCh37 (hg19) VCF-style: chrX-70361236-C-T.
Identifiers: ClinVar variation 385522 (VCV000385522.4), dbSNP rs1057522248, ClinGen allele CA16609211.